The following is an entry in ClinVar:

NM_001114753.3(ENG):c.872_883del (p.Lys291_Asp294del)

Gene: ENG (endoglin; minus strand). Cytogenetic location: 9q34.11.
Variant type: Deletion.
Coding change: c.872_883del on transcript NM_001114753.3 (MANE Select); coding-DNA positions 872 to 883, 12 bases deleted (AGCTCCCAGACA).
Protein change: p.Lys291_Asp294del.
Molecular consequence: inframe deletion. On other transcripts: inframe indel (2).
Genome position (GRCh38, 1-based): chr9:127,824,908-127,824,919, TGTCTGGGAGCT deleted on the plus strand (AGCTCCCAGACA on the coding strand, the reverse complement: ENG is on the minus strand); deleting any 12 consecutive bases within chr9:127,824,908-127,824,921 gives the same sequence; the c. name uses the placement nearest the transcript's 3' end. VCF-style (leftmost placement, unchanged base first): chr9-127824907-GTGTCTGGGAGCT-G. GRCh37 (hg19) VCF-style: chr9-130587186-GTGTCTGGGAGCT-G.
Other names: c.870_881delCAAGCTCCCAGA, p.Lys291_Asp294del (NM_000118.4, NM_001406715.1); c.326_337del, p.Lys109_Asp112del (NM_001278138.2).
Identifiers: ClinVar variation 1475982 (VCV001475982.10), dbSNP rs2131887067, ClinGen allele CA2573143970.

ClinVar aggregate classification (germline): Uncertain significance (1 of 4 stars; one submission).

Conditions:
Hereditary hemorrhagic telangiectasia (HHT). Also called: ORW DISEASE; Osler Weber Rendu syndrome; OSLER-RENDU-WEBER DISEASE; Osler hemorrhagic telangiectasia syndrome. Identifiers: Orphanet 774, MedGen C0039445, MONDO:0019180. Disease mechanism: loss of function.

Submission:

Labcorp Genetics (formerly Invitae), Labcorp
Classification: Uncertain significance for Hereditary hemorrhagic telangiectasia. Last evaluated: 2021-06-20. Review status: criteria provided, single submitter. Criteria: Invitae Variant Classification Sherloc (09022015). Collection method: clinical testing. Allele origin: germline.
Comment: This variant has been observed in individual(s) with clinical features of hereditary hemorrhagic telangiectasia (PMID: 21158752, 17384219, Invitae). This variant, c.872_883del, results in the deletion of 4 amino acid(s) of the ENG protein (p.Lys291_Asp294del), but otherwise preserves the integrity of the reading frame. This variant is not present in population databases (ExAC no frequency). Experimental studies and prediction algorithms are not available or were not evaluated, and the functional significance of this variant is currently unknown. In summary, the available evidence is currently insufficient to determine the role of this variant in disease. Therefore, it has been classified as a Variant of Uncertain Significance.

Literature cited by the submitters: PubMed 21158752; PubMed 17384219.